The following is an entry in ClinVar:

ClinVar aggregate classification (germline): Conflicting classifications of pathogenicity. Review status: criteria provided, conflicting classifications (1 of 4 stars). 2 submissions from 2 submitters: Uncertain significance (1); Likely benign (1). Last evaluated 2026-01-05.

Conditions:
Joubert syndrome 21 (JBTS21). Identifiers: MedGen C3810212, MONDO:0014288, OMIM 615636.

Allele frequency attached by ClinVar (database versions not stated): ExAC 0.00007; gnomAD exomes 0.00007 and 0.00012; gnomAD 0.00008 and 0.00009; TOPMed 0.00008.
gnomAD v4.1: 114 of 1,613,306 alleles (0.0071%); highest among the groups gnomAD compares: Admixed American, 0.0017%; no homozygotes.

Submissions (2):

Labcorp Genetics (formerly Invitae), Labcorp
Classification: Likely benign for Joubert syndrome 21. Last evaluated: 2026-01-05. Review status: criteria provided, single submitter. Criteria: Invitae Variant Classification Sherloc (09022015). Collection method: clinical testing. Allele origin: germline.

GeneDx
Classification: Uncertain significance. Last evaluated: 2024-10-07. Review status: criteria provided, single submitter. Criteria: GeneDx Variant Classification Process June 2021. Collection method: clinical testing. Allele origin: germline. Affected: yes.
Comment: In silico analysis indicates that this missense variant does not alter protein structure/function; Has not been previously published as pathogenic or benign to our knowledge

NM_001382391.1(CSPP1):c.2953G>A (p.Glu985Lys)

Gene: CSPP1 (centrosome and spindle pole associated protein 1; plus strand). Cytogenetic location: 8q13.2.
Variant type: single nucleotide variant.
Coding change: c.2953G>A on transcript NM_001382391.1 (MANE Select); coding-DNA position 2953, G replaced by A.
Protein change: p.Glu985Lys; replaces glutamic acid 985 with lysine.
Molecular consequence: missense variant.
Genome position (GRCh38, 1-based): chr8:67,172,540, G>A. VCF-style: chr8-67172540-G-A. GRCh37 (hg19) VCF-style: chr8-68084775-G-A.
Other names: c.1903G>A, p.Glu635Lys (NM_001291339.2); c.2872G>A, p.Glu958Lys (NM_001363131.2); c.2758G>A, p.Glu920Lys (NM_001363132.2); c.2677G>A, p.Glu893Lys (NM_001363133.2); c.3019G>A, p.Glu1007Lys (NM_001364869.1); c.2839G>A, p.Glu947Lys (NM_001364870.1); c.2938G>A, p.Glu980Lys (NM_024790.7); short protein forms E1007K, E635K, E893K, E920K, E947K, E958K, E980K, E985K.
Identifiers: ClinVar variation 1087740 (VCV001087740.10), dbSNP rs763639767, ClinGen allele CA4770991.